The following is an entry in ClinVar:

NM_015450.3(POT1):c.878_879insT (p.Glu293fs)

Gene: POT1 (protection of telomeres 1; minus strand). Cytogenetic location: 7q31.33.
Variant type: Insertion.
Coding change: c.878_879insT on transcript NM_015450.3 (MANE Select); coding-DNA positions 878 to 879, T inserted.
Protein change: p.Glu293fs; shifts the reading frame from glutamic acid 293.
Molecular consequence: frameshift variant. On other transcripts: non-coding transcript variant (3).
Genome position: GRCh38 VCF-style: chr7-124851942-T-TA. GRCh37 (hg19) VCF-style: chr7-124491996-T-TA.
Other names: c.485_486insT, p.Glu162fs (NM_001042594.2); short protein forms E162fs, E293fs.
Identifiers: ClinVar variation 4724883 (VCV004724883.1).

ClinVar aggregate classification (germline): Pathogenic (1 of 4 stars; one submission).

Conditions:
Tumor predisposition syndrome 3 (TPDS3). Also called: Melanoma, cutaneous malignant, susceptibility to, 10; Glioma susceptibility 9; LONG TELOMERE SYNDROME, POT1-RELATED; POT1 Tumor Predisposition. Identifiers: Orphanet 618, MedGen C4014476, MONDO:0014368, OMIM 615848.

Submission:

Labcorp Genetics (formerly Invitae), Labcorp
Classification: Pathogenic for Tumor predisposition syndrome 3. Last evaluated: 2025-08-06. Review status: criteria provided, single submitter. Criteria: Invitae Variant Classification Sherloc (09022015). Collection method: clinical testing. Allele origin: germline.
Comment: This sequence change creates a premature translational stop signal (p.Glu293Aspfs*20) in the POT1 gene. It is expected to result in an absent or disrupted protein product. Loss-of-function variants in POT1 are known to be pathogenic (PMID: 32155570). This variant is not present in population databases (gnomAD no frequency). This variant has not been reported in the literature in individuals affected with POT1-related conditions. For these reasons, this variant has been classified as Pathogenic.

Literature cited by the submitters: PubMed 32155570.